The following is an entry in ClinVar:

NM_000246.4(CIITA):c.2035C>A (p.Gln679Lys)

Gene: CIITA (class II major histocompatibility complex transactivator; plus strand). Cytogenetic location: 16p13.13.
Variant type: single nucleotide variant.
Coding change: c.2035C>A on transcript NM_000246.4 (MANE Select); coding-DNA position 2035, C replaced by A.
Protein change: p.Gln679Lys; replaces glutamine 679 with lysine.
Molecular consequence: missense variant. On other transcripts: intron variant (1).
Genome position (GRCh38, 1-based): chr16:10,907,527, C>A. VCF-style: chr16-10907527-C-A. GRCh37 (hg19) VCF-style: chr16-11001384-C-A.
Other names: c.2038C>A, p.Gln680Lys (NM_001286402.1, NM_001379332.1); c.1891C>A, p.Gln631Lys (NM_001379330.1); c.1888C>A, p.Gln630Lys (NM_001379331.1); c.2035C>A, p.Gln679Lys (NM_001379333.1); c.1966C>A, p.Gln656Lys (NM_001379334.1); c.860-1456C>A (NM_001286403.2); short protein forms Q630K, Q679K, Q680K, Q656K, Q631K.
Identifiers: ClinVar variation 2913961 (VCV002913961.3), dbSNP rs1427348251, ClinGen allele CA394732255.

ClinVar aggregate classification (germline): Uncertain significance (1 of 4 stars; one submission).

Conditions:
MHC class II deficiency. Also called: Bare lymphocyte syndrome 2; BLS, TYPE II. Identifiers: Orphanet 572, MedGen C5447452, MONDO:0008855.

Allele frequency attached by ClinVar (database versions not stated): gnomAD exomes below 0.00001.
gnomAD v4.1: 3 of 1,614,134 alleles (0.00019%); highest among the groups gnomAD compares: Admixed American, 0.0017%; no homozygotes.

Submission:

Labcorp Genetics (formerly Invitae), Labcorp
Classification: Uncertain significance for MHC class II deficiency. Last evaluated: 2022-11-12. Review status: criteria provided, single submitter. Criteria: Invitae Variant Classification Sherloc (09022015). Collection method: clinical testing. Allele origin: germline.
Comment: This variant has not been reported in the literature in individuals affected with CIITA-related conditions. This variant is not present in population databases (gnomAD no frequency). This sequence change replaces glutamine, which is neutral and polar, with lysine, which is basic and polar, at codon 679 of the CIITA protein (p.Gln679Lys). Algorithms developed to predict the effect of missense changes on protein structure and function (SIFT, PolyPhen-2, Align-GVGD) all suggest that this variant is likely to be tolerated. In summary, the available evidence is currently insufficient to determine the role of this variant in disease. Therefore, it has been classified as a Variant of Uncertain Significance.